The following is an entry in ClinVar:

ClinVar aggregate classification (germline): Uncertain significance (1 of 4 stars; one submission).

Conditions:
Cataract 23 (CTRCT23). Also called: CATARACT 23, LAMELLAR; Cataract 23, multiple types. Identifiers: Orphanet 91492, MedGen C3808012, MONDO:0012489, OMIM 610425.

Allele frequency attached by ClinVar (database versions not stated): ExAC 0.00004; ESP Exome Variant Server 0.00008; gnomAD 0.00008; 1000 Genomes Project 30x 0.00031; TOPMed 0.00036; 1000 Genomes Project 0.00040.

Submission:

Labcorp Genetics (formerly Invitae), Labcorp
Classification: Uncertain significance for Cataract 23. Last evaluated: 2023-07-26. Review status: criteria provided, single submitter. Criteria: Invitae Variant Classification Sherloc (09022015). Collection method: clinical testing. Allele origin: germline.
Comment: This sequence change creates a premature translational stop signal (p.Arg71*) in the CRYBA4 gene. It is expected to result in an absent or disrupted protein product. However, the current clinical and genetic evidence is not sufficient to establish whether loss-of-function variants in CRYBA4 cause disease. This variant is present in population databases (rs199635152, gnomAD 0.01%). This variant has not been reported in the literature in individuals affected with CRYBA4-related conditions. Algorithms developed to predict the effect of sequence changes on RNA splicing suggest that this variant may disrupt the consensus splice site. In summary, the available evidence is currently insufficient to determine the role of this variant in disease. Therefore, it has been classified as a Variant of Uncertain Significance.

NM_001886.3(CRYBA4):c.211C>T (p.Arg71Ter)

Gene: CRYBA4 (crystallin beta A4; plus strand). Cytogenetic location: 22q12.1.
Variant type: single nucleotide variant.
Coding change: c.211C>T on transcript NM_001886.3 (MANE Select); coding-DNA position 211, C replaced by T.
Protein change: p.Arg71Ter; replaces arginine 71 with a stop codon.
Molecular consequence: nonsense.
Genome position (GRCh38, 1-based): chr22:26,625,533, C>T. VCF-style: chr22-26625533-C-T. GRCh37 (hg19) VCF-style: chr22-27021497-C-T.
Other names: short protein forms R71*.
Identifiers: ClinVar variation 2863146 (VCV002863146.3), dbSNP rs199635152, ClinGen allele CA10165731.